The following is an entry in ClinVar:

ClinVar aggregate classification (germline): Benign/Likely benign. Review status: criteria provided, multiple submitters, no conflicts (2 of 4 stars). 4 submissions from 4 submitters: Benign (1); Likely benign (3). Last evaluated 2026-06-10.

Conditions:
RAI1-related disorder. Also called: RAI1-related condition.
Inborn genetic diseases. Identifiers: MedGen C0950123, MeSH D030342.

Allele frequency attached by ClinVar (database versions not stated): ExAC 0.00004; ESP Exome Variant Server 0.00008.

Submissions (4):

PreventionGenetics, part of Exact Sciences
Classification: Likely benign for RAI1-related condition. Last evaluated: 2026-06-10. Review status: criteria provided, single submitter. Criteria: ACMG Guidelines, 2015. Collection method: clinical testing. Allele origin: germline.
Comment: This variant is classified as likely benign based on ACMG/AMP sequence variant interpretation guidelines (Richards et al. 2015 PMID: 25741868, with internal and published modifications).

Labcorp Genetics (formerly Invitae), Labcorp
Classification: Benign. Last evaluated: 2025-11-13. Review status: criteria provided, single submitter. Criteria: Invitae Variant Classification Sherloc (09022015). Collection method: clinical testing. Allele origin: germline.

GeneDx
Classification: Likely benign. Last evaluated: 2020-11-03. Review status: criteria provided, single submitter. Criteria: GeneDx Variant Classification Process June 2021. Collection method: clinical testing. Allele origin: germline. Affected: yes.
Comment: In silico analysis supports that this missense variant has a deleterious effect on protein structure/function; Has not been previously published as pathogenic or benign to our knowledge

Ambry Genetics
Classification: Likely benign for Inborn genetic diseases. Last evaluated: 2019-08-28. Review status: criteria provided, single submitter. Criteria: Ambry Variant Classification Scheme 2023. Collection method: clinical testing. Allele origin: germline.

NM_030665.4(RAI1):c.2506C>G (p.Arg836Gly)

Gene: RAI1 (retinoic acid induced 1; plus strand). Cytogenetic location: 17p11.2.
Variant type: single nucleotide variant.
Coding change: c.2506C>G on transcript NM_030665.4 (MANE Select); coding-DNA position 2506, C replaced by G.
Protein change: p.Arg836Gly; replaces arginine 836 with glycine.
Molecular consequence: missense variant.
Genome position (GRCh38, 1-based): chr17:17,795,454, C>G. VCF-style: chr17-17795454-C-G. GRCh37 (hg19) VCF-style: chr17-17698768-C-G.
Other names: short protein forms R836G.
Identifiers: ClinVar variation 1186040 (VCV001186040.14), dbSNP rs370508336, ClinGen allele CA8418553.